The following is an entry in ClinVar:

NM_016363.5(GP6):c.*106A>C

Gene: GP6 (glycoprotein VI platelet; minus strand). Cytogenetic location: 19q13.42.
Variant type: single nucleotide variant.
Coding change: c.*106A>C on transcript NM_016363.5 (MANE Select); 106 bases downstream of the stop codon, A replaced by C.
Molecular consequence: 3 prime UTR variant. On other transcripts: missense variant (1).
Genome position (GRCh38, 1-based): chr19:55,014,815, T>G on the plus strand (A>C on the coding strand, the complement: GP6 is on the minus strand). VCF-style: chr19-55014815-T-G. GRCh37 (hg19) VCF-style: chr19-55526183-T-G.
Other names: p.Gln377Pro; c.1130A>C, p.Gln377Pro (NM_001083899.2); c.*106A>C (NM_001256017.2); short protein forms Q377P.
Identifiers: ClinVar variation 3521386 (VCV003521386.4).

ClinVar aggregate classification (germline): Uncertain significance. Review status: criteria provided, multiple submitters, no conflicts (2 of 4 stars). 3 submissions from 3 submitters: Uncertain significance (3). Last evaluated 2025-11-02.

Conditions:
Inborn genetic diseases. Identifiers: MedGen C0950123, MeSH D030342.

gnomAD v4.1: 17 of 1,614,028 alleles (0.0011%); highest among the groups gnomAD compares: Admixed American, 0.025%; no homozygotes.

Submissions (3):

Mayo Clinic Laboratories, Mayo Clinic
Classification: Uncertain significance. Last evaluated: 2025-11-02. Review status: criteria provided, single submitter. Criteria: ACMG Guidelines, 2015. Collection method: clinical testing. Allele origin: germline. Observed: 1 variant allele.
Comment: BP4_moderate, PM2_supporting

Labcorp Genetics (formerly Invitae), Labcorp
Classification: Uncertain significance. Last evaluated: 2025-01-06. Review status: criteria provided, single submitter. Criteria: Invitae Variant Classification Sherloc (09022015). Collection method: clinical testing. Allele origin: germline.
Comment: This sequence change replaces glutamine, which is neutral and polar, with proline, which is neutral and non-polar, at codon 377 of the GP6 protein (p.Gln377Pro). This variant is present in population databases (rs775074233, gnomAD 0.01%). This variant has not been reported in the literature in individuals affected with GP6-related conditions. An algorithm developed to predict the effect of missense changes on protein structure and function (PolyPhen-2) suggests that this variant is likely to be disruptive. In summary, the available evidence is currently insufficient to determine the role of this variant in disease. Therefore, it has been classified as a Variant of Uncertain Significance.

Ambry Genetics
Classification: Uncertain significance for Inborn genetic diseases. Last evaluated: 2024-11-24. Review status: criteria provided, single submitter. Criteria: Ambry Variant Classification Scheme 2023. Collection method: clinical testing. Allele origin: germline.